The following is an entry in ClinVar:

ClinVar aggregate classification (germline): Uncertain significance (1 of 4 stars; one submission).

gnomAD v4.1: 3 of 1,613,540 alleles (0.00019%); highest among the groups gnomAD compares: South Asian, 0.0011%; no homozygotes.

Submission:

Women's Health and Genetics/Laboratory Corporation of America, LabCorp
Classification: Uncertain significance. Last evaluated: 2025-05-05. Review status: criteria provided, single submitter. Criteria: LabCorp Variant Classification Summary - May 2015. Collection method: clinical testing. Allele origin: germline.
Comment: Variant summary: ANO5 c.428A>G (p.Tyr143Cys) results in a non-conservative amino acid change in the encoded protein sequence. Algorithms developed to predict the effect of missense changes on protein structure and function are either unavailable or do not agree on the potential impact of this missense change. The variant was absent in 251014 control chromosomes (gnomAD). The available data on variant occurrences in the general population are insufficient to allow any conclusion about variant significance. c.428A>G has been observed in an individual affected with Limb-Girdle Muscular Dystrophy without a second variant found in trans (Savarese_2015). This report do not provide unequivocal conclusions about association of the variant with Limb-Girdle Muscular Dystrophy, Autosomal Recessive. To our knowledge, no experimental evidence demonstrating an impact on protein function has been reported. The following publication has been ascertained in the context of this evaluation (PMID: 25891276). No submitters have cited clinical-significance assessments for this variant to ClinVar. Based on the evidence outlined above, the variant was classified as uncertain significance.

Literature cited by the submitters: PubMed 25891276.

NM_213599.3(ANO5):c.428A>G (p.Tyr143Cys)

Gene: ANO5 (anoctamin 5; plus strand). Cytogenetic location: 11p14.3.
Variant type: single nucleotide variant.
Coding change: c.428A>G on transcript NM_213599.3 (MANE Select); coding-DNA position 428, A replaced by G.
Protein change: p.Tyr143Cys; replaces tyrosine 143 with cysteine.
Molecular consequence: missense variant.
Genome position (GRCh38, 1-based): chr11:22,227,366, A>G. VCF-style: chr11-22227366-A-G. GRCh37 (hg19) VCF-style: chr11-22248912-A-G.
Other names: c.425A>G, p.Tyr142Cys (NM_001142649.2); c.386A>G, p.Tyr129Cys (NM_001410963.1); c.383A>G, p.Tyr128Cys (NM_001410964.1); short protein forms Y128C, Y129C, Y142C, Y143C.
Identifiers: ClinVar variation 3902499 (VCV003902499.1).